The following is an entry in ClinVar:

NM_000090.4(COL3A1):c.1609-124A>G

Gene: COL3A1 (collagen type III alpha 1 chain; plus strand). Cytogenetic location: 2q32.2.
Variant type: single nucleotide variant.
Coding change: c.1609-124A>G on transcript NM_000090.4 (MANE Select); 124 bases into the intron before coding-DNA position 1609, A replaced by G.
Molecular consequence: intron variant.
Genome position (GRCh38, 1-based): chr2:188,996,001, A>G. VCF-style: chr2-188996001-A-G. GRCh37 (hg19) VCF-style: chr2-189860727-A-G.
Identifiers: ClinVar variation 676610 (VCV000676610.2), dbSNP rs41263747, ClinGen allele CA62597122.

ClinVar aggregate classification (germline): Likely benign. Review status: criteria provided, multiple submitters, no conflicts (2 of 4 stars). 2 submissions from 2 submitters: Likely benign (2). Last evaluated 2018-06-14.

Allele frequency attached by ClinVar (database versions not stated): gnomAD exomes 0.00114; gnomAD 0.01103 and 0.01153; TOPMed 0.01240; 1000 Genomes Project 0.01378; 1000 Genomes Project 30x 0.01405.
gnomAD v4.1: 2,731 of 1,035,776 alleles (0.26%); highest among the groups gnomAD compares: African/African-American, 3.9%; 57 homozygotes.

Submissions (2):

GeneDx
Classification: Likely benign. Last evaluated: 2018-06-14. Review status: criteria provided, single submitter. Criteria: GeneDx Variant Classification (06012015). Collection method: clinical testing. Allele origin: germline. Affected: yes.
Comment: This variant is considered likely benign or benign based on one or more of the following criteria: it is a conservative change, it occurs at a poorly conserved position in the protein, it is predicted to be benign by multiple in silico algorithms, and/or has population frequency not consistent with disease.

Breakthrough Genomics
Classification: Likely benign. Review status: criteria provided, single submitter. Criteria: ACMG Guidelines, 2015. Collection method: not provided. Allele origin: germline. Inheritance: Autosomal recessive inheritance. Affected: yes.